The following is an entry in ClinVar:

ClinVar aggregate classification (germline): Pathogenic/Likely pathogenic. Review status: criteria provided, multiple submitters, no conflicts (2 of 4 stars). 12 submissions from 11 submitters: Pathogenic (5); Likely pathogenic (4). 3 of the submissions do not count toward it. Last evaluated 2026-08-28.

Conditions:
ABCA4-related disorder. Also called: ABCA4-related condition; ABCA4-related disorders. Identifiers: MedGen CN239167.
Retinal dystrophy. Also called: Inherited retinal dystrophy. Identifiers: Orphanet 71862, MedGen C0854723, MeSH D058499, MONDO:0019118, HP:0000556.
Stargardt disease (FFM). Also called: Stargardt's disease; Fundus flavimaculatus. Identifiers: Orphanet 827, MedGen C0271093, MONDO:0019353.
Severe early-childhood-onset retinal dystrophy (STGD1). Also called: Stargardt macular dystrophy; Juvenile onset macular degeneration; Stargardt disease 1; STGD; MACULAR DYSTROPHY WITH FLECKS, TYPE 1. Identifiers: Orphanet 364055, Orphanet 827, MedGen C1855465, MeSH D000080362, MONDO:0009549, OMIM 248200.
Cone-rod dystrophy 3 (CORD3). Identifiers: Orphanet 1872, MedGen C1858806, MONDO:0011395, OMIM 604116.
Age related macular degeneration 2. Also called: MACULOPATHY, AGE-RELATED; MACULAR DEGENERATION, SENILE; MACULOPATHY, AGE-RELATED, 2. Identifiers: MedGen C3495438, MONDO:0007932, OMIM 153800.
Retinitis pigmentosa 19 (RP19). Also called: ABCA4-Related Retinitis Pigmentosa. Identifiers: Orphanet 791, MedGen C1866422, MONDO:0011137, OMIM 601718.

Allele frequency attached by ClinVar (database versions not stated): gnomAD 0.00005; 1000 Genomes Project 30x 0.00016; 1000 Genomes Project 0.00020; TOPMed 0.00004; gnomAD exomes 0.00016.
gnomAD v4.1: 51 of 1,561,378 alleles (0.0033%); highest among the groups gnomAD compares: Admixed American, 0.054%; no homozygotes.

Submissions (12):

GeneDx
Classification: Pathogenic. Last evaluated: 2026-08-28. Review status: criteria provided, single submitter. Criteria: GeneDx Variant Classification Process June 2021. Collection method: clinical testing. Allele origin: germline.
Comment: In silico analysis supports that this missense variant has a deleterious effect on protein structure/function; This variant is associated with the following publications: (PMID: 37498587, 33608557, 35120629, 31964843, 32307445, 28041643, 39843441, 38309476, 23499370, 27030965, 26593885, 33261146, 32581362, 31589614, 32619608, 35119454, 38219857, 28248825, 27699414, 39162841, 40721024)

PreventionGenetics, part of Exact Sciences
Classification: Pathogenic for ABCA4-related condition. Last evaluated: 2026-06-18. Review status: criteria provided, single submitter. Criteria: ACMG Guidelines, 2015. Collection method: clinical testing. Allele origin: germline.
Comment: The ABCA4 c.4519G>A variant is predicted to result in the amino acid substitution p.Gly1507Arg. This variant has been reported, along with a second potential causative variant in the same gene, in multiple individuals with ABCA4-related retinal disease (see for examples: Fujinami et al. 2013. PubMed ID: 23499370; Table S1, Ścieżyńska et al 2015. PubMed ID: 26593885; Table S1, Del Pozo-Valero et al. 2020. PubMed ID: 32619608; Table S1, Lin et al. 2024. PubMed ID: 38219857). This variant is reported in 0.10% of alleles in individuals of Latino descent in gnomAD. Given the evidence, we interpret this variant as pathogenic.

Labcorp Genetics (formerly Invitae), Labcorp
Classification: Pathogenic. Last evaluated: 2026-02-01. Review status: criteria provided, single submitter. Criteria: Invitae Variant Classification Sherloc (09022015). Collection method: clinical testing. Allele origin: germline.
Comment: This sequence change replaces glycine, which is neutral and non-polar, with arginine, which is basic and polar, at codon 1507 of the ABCA4 protein (p.Gly1507Arg). This variant is present in population databases (rs568792949, gnomAD 0.1%). This missense change has been observed in individual(s) with Stargardt disease (PMID: 23499370, 26593885, 27030965, 28041643). In at least one individual the data is consistent with being in trans (on the opposite chromosome) from a pathogenic variant. ClinVar contains an entry for this variant (Variation ID: 236115). Invitae Evidence Modeling of protein sequence and biophysical properties (such as structural, functional, and spatial information, amino acid conservation, physicochemical variation, residue mobility, and thermodynamic stability) indicates that this missense variant is expected to disrupt ABCA4 protein function with a positive predictive value of 95%. For these reasons, this variant has been classified as Pathogenic.

3billion
Classification: Pathogenic for ABCA4-related disorder. Last evaluated: 2025-01-21. Review status: criteria provided, single submitter. Criteria: ACMG Guidelines, 2015. Collection method: clinical testing. Allele origin: germline. Affected: yes.
Comment: The variant is observed at an extremely low frequency in the gnomAD v4.1.0 dataset (total allele frequency: 0.003%). Predicted Consequence/Location: Missense variant In silico tool predictions suggest damaging effect of the variant on gene or gene product [REVEL: 0.79 (>=0.6, sensitivity 0.68 and specificity 0.92); 3Cnet: 0.87 (>=0.6, sensitivity 0.72 and precision 0.9)]. The same nucleotide change resulting in the same amino acid change has been previously reported as pathogenic/likely pathogenic with strong evidence (ClinVar ID: VCV000236115 /3billion dataset). The variant has been reported to be in trans with a pathogenic variant as either compound heterozygous or homozygous in at least one similarly affected unrelated individual (PMID: 23499370). Different missense changes at the same codon (p.Gly1507Ala, p.Gly1507Trp) have been reported as pathogenic/likely pathogenic with strong evidence (ClinVar ID: VCV001284272, VCV002856084 /PMID: 22449572). Therefore, this variant is classified as Pathogenic according to the recommendation of ACMG/AMP guideline.

Fulgent Genetics
Classification: Likely pathogenic for Age related macular degeneration 2; Severe early-childhood-onset retinal dystrophy; Retinitis pigmentosa 19; Cone-rod dystrophy 3. Last evaluated: 2024-04-01. Review status: criteria provided, single submitter. Criteria: ACMG Guidelines, 2015. Collection method: clinical testing. Allele origin: germline.

Women's Health and Genetics/Laboratory Corporation of America, LabCorp
Classification: Likely pathogenic for Stargardt disease. Last evaluated: 2023-10-30. Review status: criteria provided, single submitter. Criteria: LabCorp Variant Classification Summary - May 2015. Collection method: clinical testing. Allele origin: germline.
Comment: Variant summary: ABCA4 c.4519G>A (p.Gly1507Arg) results in a non-conservative amino acid change in the encoded protein sequence. Five of five in-silico tools predict a damaging effect of the variant on protein function. The variant allele was found at a frequency of 0.00016 in 172758 control chromosomes. This frequency is not significantly higher than estimated for a pathogenic variant in ABCA4 causing Stargardt Disease (0.00016 vs 0.0014), allowing no conclusion about variant significance. c.4519G>A has been reported in the literature as a biallelic compound heterozygous genotype in individuals affected with Stargardt Disease (example, Fujinami_2013, Huckfeldt_2016, Lambertus_2016, Klufas_2018). These data indicate that the variant is likely to be associated with disease. To our knowledge, no experimental evidence demonstrating an impact on protein function has been reported. The following publications have been ascertained in the context of this evaluation (PMID: 28041643, 23499370, 27030965, 32307445, 28248825, 27699414, 26593885). Four submitters have cited clinical-significance assessments for this variant to ClinVar after 2014. All submitters classified the variant as pathogenic/likely pathogenic. Based on the evidence outlined above, the variant was classified as likely pathogenic.

Blueprint Genetics
Classification: Pathogenic for ABCA4-related disorders. Last evaluated: 2021-09-16. Review status: criteria provided, single submitter. Criteria: ACMG Guidelines, 2015. Collection method: clinical testing. Allele origin: germline. Affected: yes. Observed: 5 variant alleles.

Institute of Human Genetics, Univ. Regensburg, Univ. Regensburg
Classification: Likely pathogenic for Retinal dystrophy. Last evaluated: 2017-01-01. Review status: criteria provided, single submitter. Criteria: ACMG Guidelines, 2015. Collection method: clinical testing. Allele origin: germline. Affected: yes.

Institute of Human Genetics, Univ. Regensburg, Univ. Regensburg
Classification: Likely pathogenic for Severe early-childhood-onset retinal dystrophy. Last evaluated: 2016-01-01. Review status: criteria provided, single submitter. Criteria: Schulz et al. (Invest Ophthalmol Vis Sci. 2017). Collection method: clinical testing. Allele origin: germline. Affected: yes. Observed: 1 heterozygote.

NIHR Bioresource Rare Diseases, University of Cambridge
Classification: Likely pathogenic. Last evaluated: 2015-01-01. Review status: no assertion criteria provided. Collection method: research. Allele origin: unknown. Affected: yes. Observed: 1 variant allele. Not counted in ClinVar's aggregate classification.

Ophthalmo-Genetics Lab, Instituto de Oftalmologia Conde de Valenciana
Classification: Pathogenic for Severe early-childhood-onset retinal dystrophy. Review status: no assertion criteria provided. Collection method: research. Allele origin: germline. Inheritance: Autosomal recessive inheritance. Affected: yes. Not counted in ClinVar's aggregate classification.

Dept Of Ophthalmology, Nagoya University
Classification: Uncertain significance for Retinal dystrophy. Last evaluated: 2023-10-01. Review status: flagged submission. Criteria: Submitter's publication. Collection method: research. Allele origin: germline. Affected: yes. Not counted in ClinVar's aggregate classification.
ClinVar note: Reason: Outlier claim with insufficient supporting evidence

Literature cited by the submitters: PubMed 23499370 (cited by 5 submitters); PubMed 26593885 (cited by 3 submitters); PubMed 27030965 (cited by 3 submitters); PubMed 28041643 (cited by 3 submitters); PubMed 22449572 (cited by 3billion); PubMed 32307445 (cited by Women's Health and Genetics/Laboratory Corporation of America, LabCorp and Institute of Human Genetics, Univ. Regensburg, Univ. Regensburg); PubMed 28248825 (cited by Women's Health and Genetics/Laboratory Corporation of America, LabCorp); PubMed 27699414 (cited by Women's Health and Genetics/Laboratory Corporation of America, LabCorp); PubMed 31589614 (cited by Institute of Human Genetics, Univ. Regensburg, Univ. Regensburg); PubMed 32619608 (cited by Institute of Human Genetics, Univ. Regensburg, Univ. Regensburg); PubMed 31964843 (cited by Institute of Human Genetics, Univ. Regensburg, Univ. Regensburg); PubMed 33261146 (cited by Institute of Human Genetics, Univ. Regensburg, Univ. Regensburg); PubMed 32581362 (cited by Institute of Human Genetics, Univ. Regensburg, Univ. Regensburg); PubMed 35119454 (cited by Institute of Human Genetics, Univ. Regensburg, Univ. Regensburg).

NM_000350.3(ABCA4):c.4519G>A (p.Gly1507Arg)

Gene: ABCA4 (ATP binding cassette subfamily A member 4; minus strand). Cytogenetic location: 1p22.1.
Variant type: single nucleotide variant.
Coding change: c.4519G>A on transcript NM_000350.3 (MANE Select); coding-DNA position 4519, G replaced by A.
Protein change: p.Gly1507Arg; replaces glycine 1507 with arginine.
Molecular consequence: missense variant.
Genome position (GRCh38, 1-based): chr1:94,029,465, C>T on the plus strand (G>A on the coding strand, the complement: ABCA4 is on the minus strand). VCF-style: chr1-94029465-C-T. GRCh37 (hg19) VCF-style: chr1-94495021-C-T.
Other names: c.4297G>A, p.Gly1433Arg (NM_001425324.1); short protein forms G1507R, G1433R.
Identifiers: ClinVar variation 236115 (VCV000236115.22), dbSNP rs568792949, ClinGen allele CA957590.
Genomic context (GRCh38, chr1:94,029,465, plus strand): 5'-GCAGGCAGACCTGGGGCCCCGTTGTTTGGAGGTCAGGTACCTGGGGGGGCGGGAGGCCCC[C>T]GGCACCCTCGGGGCACTCTGGCAGCATGGTGAGCTTCTCCCTGGTGCTGCACCTGCAGGA-3'
Protein context (NP_000341.2, residues 1497-1517): TMLPECPEGA[Gly1507Arg]GLPPPQRTQR